The following is an entry in ClinVar:

NM_002025.4(AFF2):c.1511C>T (p.Thr504Ile)

Gene: AFF2 (ALF transcription elongation factor 2; plus strand). Cytogenetic location: Xq28.
Variant type: single nucleotide variant.
Coding change: c.1511C>T on transcript NM_002025.4 (MANE Select); coding-DNA position 1511, C replaced by T.
Protein change: p.Thr504Ile; replaces threonine 504 with isoleucine.
Molecular consequence: missense variant.
Genome position (GRCh38, 1-based): chrX:148,953,693, C>T. VCF-style: chrX-148953693-C-T. GRCh37 (hg19) VCF-style: chrX-148035223-C-T.
Other names: c.1412C>T, p.Thr471Ile (NM_001169122.2); c.1481C>T, p.Thr494Ile (NM_001169123.2); c.1406C>T, p.Thr469Ile (NM_001169124.2); c.1394C>T, p.Thr465Ile (NM_001169125.2); c.434C>T, p.Thr145Ile (NM_001170628.1); short protein forms T145I, T465I, T469I, T471I, T494I, T504I.
Identifiers: ClinVar variation 2503229 (VCV002503229.1), dbSNP rs2521881558, ClinGen allele CA414512382.

ClinVar aggregate classification (germline): Uncertain significance (1 of 4 stars; one submission).

Allele frequency attached by ClinVar (database versions not stated): gnomAD exomes below 0.00001.
gnomAD v4.1: 1 of 1,210,701 alleles (0.000083%); highest among the groups gnomAD compares: Non-Finnish European, 0.00011%; no homozygotes.

Submission:

GeneDx
Classification: Uncertain significance. Last evaluated: 2022-11-28. Review status: criteria provided, single submitter. Criteria: GeneDx Variant Classification Process June 2021. Collection method: clinical testing. Allele origin: germline. Affected: yes.
Comment: Not observed at significant frequency in large population cohorts (gnomAD); In silico analysis supports that this missense variant has a deleterious effect on protein structure/function; Has not been previously published as pathogenic or benign to our knowledge